The following is an entry in ClinVar:

NM_001035.3(RYR2):c.11092-14_11092-11del

Gene: RYR2 (ryanodine receptor 2; plus strand). Cytogenetic location: 1q43.
Variant type: Deletion.
Coding change: c.11092-14_11092-11del on transcript NM_001035.3 (MANE Select); 14 bases into the intron before coding-DNA position 11092 through 11 bases into the intron before coding-DNA position 11092, 4 bases deleted (TTTT; older notation c.11092-14_11092-11delTTTT).
Molecular consequence: intron variant.
Genome position (GRCh38, 1-based): chr1:237,742,282-237,742,285, TTTT deleted; deleting any 4 consecutive bases within chr1:237,742,271-237,742,285 gives the same sequence; the c. name uses the placement nearest the transcript's 3' end. VCF-style (leftmost placement, unchanged base first): chr1-237742270-CTTTT-C. GRCh37 (hg19) VCF-style: chr1-237905570-CTTTT-C.
Identifiers: ClinVar variation 928875 (VCV000928875.1), dbSNP rs397516499, ClinGen allele CA1013759346.

ClinVar aggregate classification (germline): Likely benign (1 of 4 stars; one submission).

Submission:

Women's Health and Genetics/Laboratory Corporation of America, LabCorp
Classification: Likely benign. Last evaluated: 2019-11-04. Review status: criteria provided, single submitter. Criteria: LabCorp Variant Classification Summary - May 2015. Collection method: clinical testing. Allele origin: germline.
Comment: Variant summary: RYR2 c.11092-14_11092-11delTTTT alters multiple nucleotides in a repeat Ts region located close to a canonical splice site. 5/5 computational tools predict no significant impact on normal splicing. However, these predictions have yet to be confirmed by functional studies. The variant was absent in 70234 control chromosomes (gnomAD). To our knowledge, no occurrence of c.11092-14_11092-11delTTTT in individuals affected with Arrhythmia and no experimental evidence demonstrating its impact on protein function have been reported. A co-occurrence with a pathogenic variant has been reported (PKP2 c.397C>T, p.Q133*; LCA), providing supporting evidence for a benign role. No clinical diagnostic laboratories have submitted clinical-significance assessments for this variant to ClinVar after 2014. Based on the evidence outlined above, the variant was classified as likely benign.